The following is an entry in ClinVar:

ClinVar aggregate classification (germline): Uncertain significance (1 of 4 stars; one submission).

Submission:

GeneDx
Classification: Uncertain significance. Last evaluated: 2022-10-20. Review status: criteria provided, single submitter. Criteria: GeneDx Variant Classification Process June 2021. Collection method: clinical testing. Allele origin: germline. Affected: yes.
Comment: Not observed at significant frequency in large population cohorts (gnomAD); In-frame deletion of 1 amino acid in a non-repeat region; In silico analysis supports a deleterious effect on protein structure/function; Has not been previously published as pathogenic or benign to our knowledge

NM_001830.4(CLCN4):c.1605GGT[1] (p.Val537del)

Gene: CLCN4 (chloride voltage-gated channel 4; plus strand). Cytogenetic location: Xp22.2.
Variant type: Microsatellite.
Coding change: c.1605GGT[1] on transcript NM_001830.4 (MANE Select); one copy of the 3-base unit GGT starting at c.1605; the reference has two copies in a row; one copy, 3 bases deleted.
Protein change: p.Val537del; deletes valine 537.
Molecular consequence: inframe deletion.
Genome position (GRCh38, 1-based): chrX:10,213,712-10,213,714, GGT deleted; deleting any 3 consecutive bases within chrX:10,213,708-10,213,714 gives the same sequence; the position shown is the placement nearest the transcript's 3' end. VCF-style (leftmost placement, unchanged base first): chrX-10213707-TTGG-T. GRCh37 (hg19) VCF-style: chrX-10181747-TTGG-T.
Other names: c.1323GGT[1], p.Val443del (NM_001256944.2); short protein forms V443del, V537del.
Identifiers: ClinVar variation 2499756 (VCV002499756.1), dbSNP rs2518889352, ClinGen allele CA2580615367.